The following is an entry in ClinVar:

NM_001037131.3(AGAP1):c.1835T>C (p.Leu612Pro)

Gene: AGAP1 (ArfGAP with GTPase domain, ankyrin repeat and PH domain 1; plus strand). Cytogenetic location: 2q37.2.
Variant type: single nucleotide variant.
Coding change: c.1835T>C on transcript NM_001037131.3 (MANE Select); coding-DNA position 1835, T replaced by C.
Protein change: p.Leu612Pro; replaces leucine 612 with proline.
Molecular consequence: missense variant.
Genome position (GRCh38, 1-based): chr2:236,040,785, T>C. VCF-style: chr2-236040785-T-C. GRCh37 (hg19) VCF-style: chr2-236949429-T-C.
Other names: c.1676T>C, p.Leu559Pro (NM_014914.5); short protein forms L612P, L559P.
Identifiers: ClinVar variation 2090969 (VCV002090969.4), dbSNP rs2470485298, ClinGen allele CA351166783.

ClinVar aggregate classification (germline): Uncertain significance (1 of 4 stars; one submission).

Submission:

Labcorp Genetics (formerly Invitae), Labcorp
Classification: Uncertain significance. Last evaluated: 2022-01-28. Review status: criteria provided, single submitter. Criteria: Invitae Variant Classification Sherloc (09022015). Collection method: clinical testing. Allele origin: germline.
Comment: In summary, the available evidence is currently insufficient to determine the role of this variant in disease. Therefore, it has been classified as a Variant of Uncertain Significance. Algorithms developed to predict the effect of missense changes on protein structure and function are either unavailable or do not agree on the potential impact of this missense change (SIFT: "Deleterious"; PolyPhen-2: "Probably Damaging"; Align-GVGD: "Class C0"). This variant has not been reported in the literature in individuals affected with AGAP1-related conditions. This variant is not present in population databases (gnomAD no frequency). This sequence change replaces leucine, which is neutral and non-polar, with proline, which is neutral and non-polar, at codon 559 of the AGAP1 protein (p.Leu559Pro).